The following is an entry in ClinVar:

ClinVar aggregate classification (germline): Uncertain significance (1 of 4 stars; one submission).

Submission:

GeneDx
Classification: Uncertain significance. Last evaluated: 2025-04-30. Review status: criteria provided, single submitter. Criteria: GeneDx Variant Classification Process June 2021. Collection method: clinical testing. Allele origin: germline. Affected: yes.
Comment: Not observed at significant frequency in large population cohorts (gnomAD); In silico analysis indicates that this missense variant does not alter protein structure/function; Has not been previously published as pathogenic or benign to our knowledge

NM_001039591.3(USP9X):c.3538G>C (p.Gly1180Arg)

Gene: USP9X (ubiquitin specific peptidase 9 X-linked; plus strand). Cytogenetic location: Xp11.4.
Variant type: single nucleotide variant.
Coding change: c.3538G>C on transcript NM_001039591.3 (MANE Select); coding-DNA position 3538, G replaced by C.
Protein change: p.Gly1180Arg; replaces glycine 1180 with arginine.
Molecular consequence: missense variant.
Genome position (GRCh38, 1-based): chrX:41,184,655, G>C. VCF-style: chrX-41184655-G-C. GRCh37 (hg19) VCF-style: chrX-41043908-G-C.
Other names: c.3538G>C, p.Gly1180Arg (NM_001039590.3); c.3553G>C, p.Gly1185Arg (NM_001410748.1, NM_001410749.1, NM_001437534.1); short protein forms G1180R, G1185R.
Identifiers: ClinVar variation 4527427 (VCV004527427.1).
Genomic context (GRCh38, chrX:41,184,655, plus strand): 5'-ACTGCCATTGGCTATGGTCATGTTCGAGCTGTGGCAGAAGCTTGTCAGCCAGGTGTAGAA[G>C]GTGTGAATCCCATGACACAGGTAATACAGACTTTTTAAAAATCCTTTTATAATAGTAGAT-3'
Protein context (NP_001034680.2, residues 1170-1190): VAEACQPGVE[Gly1180Arg]VNPMTQINQV